The following is an entry in ClinVar:

ClinVar aggregate classification (germline): Uncertain significance (1 of 4 stars; one submission).

Allele frequency attached by ClinVar (database versions not stated): gnomAD exomes below 0.00001.
gnomAD v4.1: 1 of 1,614,060 alleles (0.000062%); highest among the groups gnomAD compares: Non-Finnish European, 0.000085%; no homozygotes.

Submission:

GeneDx
Classification: Uncertain significance. Last evaluated: 2024-12-18. Review status: criteria provided, single submitter. Criteria: GeneDx Variant Classification Process June 2021. Collection method: clinical testing. Allele origin: germline.
Comment: Not observed at significant frequency in large population cohorts (gnomAD); In silico analysis supports that this missense variant has a deleterious effect on protein structure/function; Has not been previously published as pathogenic or benign to our knowledge

NM_001366145.2(TRPM3):c.1711G>A (p.Gly571Ser)

Gene: TRPM3 (transient receptor potential cation channel subfamily M member 3; minus strand). Cytogenetic location: 9q21.12.
Variant type: single nucleotide variant.
Coding change: c.1711G>A on transcript NM_001366145.2 (MANE Select); coding-DNA position 1711, G replaced by A.
Protein change: p.Gly571Ser; replaces glycine 571 with serine.
Molecular consequence: missense variant.
Genome position (GRCh38, 1-based): chr9:70,625,289, C>T on the plus strand (G>A on the coding strand, the complement: TRPM3 is on the minus strand). VCF-style: chr9-70625289-C-T. GRCh37 (hg19) VCF-style: chr9-73240205-C-T.
Other names: c.1675G>A, p.Gly559Ser (NM_001007471.4, NM_001366150.2, NM_001366151.2); c.1681G>A, p.Gly561Ser (NM_001366141.2, NM_001366143.2); c.1717G>A, p.Gly573Ser (NM_001366142.2); c.1711G>A, p.Gly571Ser (NM_001366146.2, NM_001366149.2); c.1786G>A, p.Gly596Ser (NM_001366147.2, NM_001366148.2, NM_001366152.2); c.1252G>A, p.Gly418Ser (NM_001366154.2, NM_024971.7, NM_206945.5); c.1216G>A, p.Gly406Ser (NM_020952.6, NM_206944.5); c.1291G>A, p.Gly431Ser (NM_206946.5, NM_206947.5); short protein forms G406S, G418S, G431S, G559S, G561S, G571S, G573S, G596S.
Identifiers: ClinVar variation 2504980 (VCV002504980.2), dbSNP rs2133282742, ClinGen allele CA373560663.